The following is an entry in ClinVar:

NM_000395.3(CSF2RB):c.2425C>G (p.Gln809Glu)

Gene: CSF2RB (colony stimulating factor 2 receptor subunit beta; plus strand). Cytogenetic location: 22q12.3.
Variant type: single nucleotide variant.
Coding change: c.2425C>G on transcript NM_000395.3 (MANE Select); coding-DNA position 2425, C replaced by G.
Protein change: p.Gln809Glu; replaces glutamine 809 with glutamic acid.
Molecular consequence: missense variant.
Genome position (GRCh38, 1-based): chr22:36,938,233, C>G. VCF-style: chr22-36938233-C-G. GRCh37 (hg19) VCF-style: chr22-37334275-C-G.
Other names: short protein forms Q809E.
Identifiers: ClinVar variation 1486183 (VCV001486183.8), dbSNP rs1472232675, ClinGen allele CA411411466.

ClinVar aggregate classification (germline): Uncertain significance (1 of 4 stars; one submission).

Allele frequency attached by ClinVar (database versions not stated): gnomAD 0.00001; gnomAD exomes 0.00001.
gnomAD v4.1: 4 of 1,614,086 alleles (0.00025%); highest among the groups gnomAD compares: South Asian, 0.0033%; no homozygotes.

Submission:

Labcorp Genetics (formerly Invitae), Labcorp
Classification: Uncertain significance. Last evaluated: 2021-02-15. Review status: criteria provided, single submitter. Criteria: Invitae Variant Classification Sherloc (09022015). Collection method: clinical testing. Allele origin: germline.
Comment: This variant is not present in population databases (ExAC no frequency). This sequence change replaces glutamine with glutamic acid at codon 809 of the CSF2RB protein (p.Gln809Glu). The glutamine residue is weakly conserved and there is a small physicochemical difference between glutamine and glutamic acid. This variant has not been reported in the literature in individuals with CSF2RB-related conditions. In summary, the available evidence is currently insufficient to determine the role of this variant in disease. Therefore, it has been classified as a Variant of Uncertain Significance. Algorithms developed to predict the effect of sequence changes on RNA splicing suggest that this variant may create or strengthen a splice site, but this prediction has not been confirmed by published transcriptional studies. Algorithms developed to predict the effect of missense changes on protein structure and function (SIFT, PolyPhen-2, Align-GVGD) all suggest that this variant is likely to be tolerated, but these predictions have not been confirmed by published functional studies and their clinical significance is uncertain.